The following is an entry in ClinVar:

NM_194293.4(XIRP1):c.3273C>T (p.Asp1091=)

Gene: XIRP1 (xin actin binding repeat containing 1; minus strand). Cytogenetic location: 3p22.2.
Variant type: single nucleotide variant.
Coding change: c.3273C>T on transcript NM_194293.4 (MANE Select); coding-DNA position 3273, C replaced by T.
Protein change: p.Asp1091=; no amino-acid change (aspartic acid 1091 retained).
Molecular consequence: synonymous variant. On other transcripts: intron variant (1).
Genome position (GRCh38, 1-based): chr3:39,186,173, G>A on the plus strand (C>T on the coding strand, the complement: XIRP1 is on the minus strand). VCF-style: chr3-39186173-G-A. GRCh37 (hg19) VCF-style: chr3-39227664-G-A.
Other names: c.3273C>T, p.Asp1091= (NM_001198621.4); c.-167-512C>T (NM_001351377.2).
Identifiers: ClinVar variation 3056235 (VCV003056235.2), dbSNP rs61736155, ClinGen allele CA2326077.
Genomic context (GRCh38, chr3:39,186,173, plus strand): 5'-GGGATCACTTCCACCCCCAGGCCTTATGTTGCTTTGGGTAGCCCCAGCTTTCCGAAGACC[G>A]TCCTGGATGGGGTTGGAAGTGGCTGTTGGGGTGGGGCCCTGCTTGTGCTTGTTCAGAACT-3'
Protein context (NP_919269.2, residues 1081-1101): TPTATSNPIQ[Asp1091=]GLRKAGATQS

ClinVar aggregate classification (germline): Benign (0 of 4 stars; one submission).

Conditions:
XIRP1-related disorder. Also called: XIRP1-related condition.

Allele frequency attached by ClinVar (database versions not stated): 1000 Genomes Project 30x 0.09869; 1000 Genomes Project 0.10084; TOPMed 0.12837; gnomAD 0.14332; ESP Exome Variant Server 0.14934; ExAC 0.16771.
gnomAD v4.1: 299,052 of 1,613,590 alleles (19%); highest among the groups gnomAD compares: Non-Finnish European, 20%; 29,822 homozygotes.

Submission:

PreventionGenetics, part of Exact Sciences
Classification: Benign for XIRP1-related condition. Last evaluated: 2019-11-20. Review status: no assertion criteria provided. Collection method: clinical testing. Allele origin: germline.
Comment: This variant is classified as benign based on ACMG/AMP sequence variant interpretation guidelines (Richards et al. 2015 PMID: 25741868, with internal and published modifications).